The following is an entry in ClinVar:

NM_020117.11(LARS1):c.2885A>G (p.Asn962Ser)

Gene: LARS1 (leucyl-tRNA synthetase 1; minus strand). Cytogenetic location: 5q32.
Variant type: single nucleotide variant.
Coding change: c.2885A>G on transcript NM_020117.11 (MANE Select); coding-DNA position 2885, A replaced by G.
Protein change: p.Asn962Ser; replaces asparagine 962 with serine.
Molecular consequence: missense variant.
Genome position (GRCh38, 1-based): chr5:146,126,541, T>C on the plus strand (A>G on the coding strand, the complement: LARS1 is on the minus strand). VCF-style: chr5-146126541-T-C. GRCh37 (hg19) VCF-style: chr5-145506104-T-C.
Other names: p.N962S:AAT>AGT; NC_000005.9:g.145506104T>C; c.2747A>G, p.Asn916Ser (NM_001317964.2); c.2723A>G, p.Asn908Ser (NM_001317965.2); c.2804A>G, p.Asn935Ser (NM_016460.4); short protein forms N962S, N935S, N916S, N908S.
Identifiers: ClinVar variation 214566 (VCV000214566.3), dbSNP rs762913390, ClinGen allele CA319994.

ClinVar aggregate classification (germline): Conflicting classifications of pathogenicity. Review status: criteria provided, conflicting classifications (1 of 4 stars). 2 submissions from 2 submitters: Uncertain significance (1); Likely benign (1). Last evaluated 2022-12-01.

Allele frequency attached by ClinVar (database versions not stated): ExAC 0.00001; gnomAD 0.00001; gnomAD exomes 0.00002 and 0.00004; TOPMed 0.00002.
gnomAD v4.1: 51 of 1,608,054 alleles (0.0032%); highest among the groups gnomAD compares: Non-Finnish European, 0.0041%; no homozygotes.

Submissions (3):

Ambry Genetics
Classification: Uncertain significance. Last evaluated: 2022-12-01. Review status: criteria provided, single submitter. Criteria: Ambry Variant Classification Scheme 2023. Collection method: clinical testing. Allele origin: germline.

GeneDx
Classification: Likely benign. Last evaluated: 2014-03-20. Review status: criteria provided, single submitter. Criteria: GeneDx Variant Classification (06012015). Collection method: clinical testing. Allele origin: germline. Affected: yes.
Comment: This variant is considered likely benign or benign based on one or more of the following criteria: it is a conservative change, it occurs at a poorly conserved position in the protein, it is predicted to be benign by multiple in silico algorithms, and/or has population frequency not consistent with disease.

Dr. Peter K. Rogan Lab, Western University
No classification provided (evidence only). Condition: Malignant tumor of urinary bladder. Review status: no classification provided. Collection method: in vitro. Allele origin: not applicable. Functional consequence: retained intron. Not counted in ClinVar's aggregate classification.